The following is an entry in ClinVar:

ClinVar aggregate classification (germline): Conflicting classifications of pathogenicity. Review status: criteria provided, conflicting classifications (1 of 4 stars). 4 submissions from 4 submitters: Uncertain significance (2); Likely benign (1). 1 of the submissions does not count toward it. Last evaluated 2026-03-13.

Conditions:
Spastic paraplegia. Identifiers: MedGen C0037772, HP:0001258.
Charlevoix-Saguenay spastic ataxia (SACS). Also called: AUTOSOMAL RECESSIVE SPASTIC ATAXIA OF CHARLEVOIX-SAGUENAY; SPASTIC ATAXIA 6, AUTOSOMAL RECESSIVE; Spastic ataxia of Charlevoix-Saguenay. Identifiers: Orphanet 98, MedGen C1849140, MONDO:0010041, OMIM 270550.

Allele frequency attached by ClinVar (database versions not stated): ExAC 0.00003; gnomAD exomes 0.00003 and 0.00004; TOPMed 0.00004.
gnomAD v4.1: 63 of 1,613,726 alleles (0.0039%); highest among the groups gnomAD compares: Non-Finnish European, 0.0048%; no homozygotes.

Submissions (4):

Women's Health and Genetics/Laboratory Corporation of America, LabCorp
Classification: Uncertain significance. Last evaluated: 2026-03-13. Review status: criteria provided, single submitter. Criteria: LabCorp Variant Classification Summary - May 2015. Collection method: clinical testing. Allele origin: germline.
Comment: Variant summary: SACS c.10787C>T (p.Ser3596Phe) results in a non-conservative amino acid change in the encoded protein sequence. Algorithms developed to predict the effect of missense changes on protein structure and function all suggest that this variant is likely to be disruptive. The variant allele was found at a frequency of 2.8e-05 in 250828 control chromosomes. The available data on variant occurrences in the general population are insufficient to allow any conclusion about variant significance. To our knowledge, no occurrence of c.10787C>T in individuals affected with SACS-related conditions and no experimental evidence demonstrating its impact on protein function have been reported. ClinVar contains an entry for this variant (Variation ID: 994738). Based on the evidence outlined above, the variant was classified as uncertain significance.

Athena Diagnostics
Classification: Uncertain significance. Last evaluated: 2025-06-12. Review status: criteria provided, single submitter. Criteria: Athena Diagnostics Criteria. Collection method: clinical testing. Allele origin: unknown.
Comment: Available data are insufficient to determine the clinical significance of the variant at this time. The frequency of this variant in the general population is uninformative in assessment of its pathogenicity. Polyphen and MutationTaster predict this amino acid change may be damaging to the protein.

Labcorp Genetics (formerly Invitae), Labcorp
Classification: Likely benign for Spastic paraplegia. Last evaluated: 2024-01-29. Review status: criteria provided, single submitter. Criteria: Invitae Variant Classification Sherloc (09022015). Collection method: clinical testing. Allele origin: germline.

Natera, Inc.
Classification: Uncertain significance for Charlevoix-Saguenay type spastic ataxia. Last evaluated: 2020-03-26. Review status: no assertion criteria provided. Collection method: clinical testing. Allele origin: germline. Not counted in ClinVar's aggregate classification.

NM_014363.6(SACS):c.10787C>T (p.Ser3596Phe)

Gene: SACS (sacsin molecular chaperone; minus strand). Cytogenetic location: 13q12.12.
Variant type: single nucleotide variant.
Coding change: c.10787C>T on transcript NM_014363.6 (MANE Select); coding-DNA position 10787, C replaced by T.
Protein change: p.Ser3596Phe; replaces serine 3596 with phenylalanine.
Molecular consequence: missense variant.
Genome position (GRCh38, 1-based): chr13:23,333,089, G>A on the plus strand (C>T on the coding strand, the complement: SACS is on the minus strand). VCF-style: chr13-23333089-G-A. GRCh37 (hg19) VCF-style: chr13-23907228-G-A.
Other names: c.10346C>T, p.Ser3449Phe (NM_001278055.2); short protein forms S3449F, S3596F.
Identifiers: ClinVar variation 994738 (VCV000994738.8), dbSNP rs755172172, ClinGen allele CA6910392.